The following is an entry in ClinVar:

NM_003628.6(PKP4):c.944C>T (p.Pro315Leu)

Gene: PKP4 (plakophilin 4; plus strand). Cytogenetic location: 2q24.1.
Variant type: single nucleotide variant.
Coding change: c.944C>T on transcript NM_003628.6 (MANE Select); coding-DNA position 944, C replaced by T.
Protein change: p.Pro315Leu; replaces proline 315 with leucine.
Molecular consequence: missense variant. On other transcripts: 5 prime UTR variant (1).
Genome position (GRCh38, 1-based): chr2:158,625,218, C>T. VCF-style: chr2-158625218-C-T. GRCh37 (hg19) VCF-style: chr2-159481730-C-T.
Other names: c.944C>T, p.Pro315Leu (NM_001005476.4, NM_001304969.3, NM_001304971.2 and 6 more transcripts); c.-83C>T (NM_001304970.3); c.938C>T, p.Pro313Leu (NM_001377222.1, NM_001377223.1, NM_001377224.1); short protein forms P313L, P315L.
Identifiers: ClinVar variation 3419568 (VCV003419568.1).

ClinVar aggregate classification (germline): Uncertain significance (1 of 4 stars; one submission).

gnomAD v4.1: 3 of 1,614,200 alleles (0.00019%); highest among the groups gnomAD compares: Non-Finnish European, 0.00025%; no homozygotes.

Submission:

Ambry Genetics
Classification: Uncertain significance. Last evaluated: 2024-08-03. Review status: criteria provided, single submitter. Criteria: Ambry Variant Classification Scheme 2023. Collection method: clinical testing. Allele origin: germline.
Comment: The p.P315L variant (also known as c.944C>T), located in coding exon 6 of the PKP4 gene, results from a C to T substitution at nucleotide position 944. The proline at codon 315 is replaced by leucine, an amino acid with similar properties. This amino acid position is conserved. In addition, the in silico prediction for this alteration is inconclusive. Based on the available evidence, the clinical significance of this variant remains unclear.